The following is an entry in ClinVar:

NM_022464.5(SIL1):c.166A>G (p.Thr56Ala)

Gene: SIL1 (SIL1 nucleotide exchange factor; minus strand). Cytogenetic location: 5q31.2.
Variant type: single nucleotide variant.
Coding change: c.166A>G on transcript NM_022464.5 (MANE Select); coding-DNA position 166, A replaced by G.
Protein change: p.Thr56Ala; replaces threonine 56 with alanine.
Molecular consequence: missense variant.
Genome position (GRCh38, 1-based): chr5:139,121,113, T>C on the plus strand (A>G on the coding strand, the complement: SIL1 is on the minus strand). VCF-style: chr5-139121113-T-C. GRCh37 (hg19) VCF-style: chr5-138456802-T-C.
Other names: c.166A>G, p.Thr56Ala (NM_001037633.2); short protein forms T56A.
Identifiers: ClinVar variation 1954407 (VCV001954407.5), dbSNP rs1308631441, ClinGen allele CA361476558.
Genomic context (GRCh38, chr5:139,121,113, plus strand): 5'-ACTCATGCGTCGGGTGGAACACCTCCAGGACTTCGGCATCCAGCTCCTCCTCGGCTTTGG[T>C]TTCTTTTCTCTCTGTTTCTTTGGTGCTGCTCTTCTCTGGGTTGGTCAGGGCAAACTCCTT-3'
Protein context (NP_071909.1, residues 46-66): SSTKETERKE[Thr56Ala]KAEEELDAEV

ClinVar aggregate classification (germline): Uncertain significance (1 of 4 stars; one submission).

Conditions:
Marinesco-Sjögren syndrome (MSS). Also called: Marinesco-Sjogren Syndrome; Marinesco-SjÃ¶gren syndrome. Identifiers: Orphanet 559, MedGen C0024814, MONDO:0009567, OMIM 248800.

Allele frequency attached by ClinVar (database versions not stated): gnomAD exomes below 0.00001; TOPMed below 0.00001; gnomAD 0.00001.
gnomAD v4.1: 3 of 1,614,064 alleles (0.00019%); highest among the groups gnomAD compares: Admixed American, 0.0033%; no homozygotes.

Submission:

Labcorp Genetics (formerly Invitae), Labcorp
Classification: Uncertain significance for Marinesco-Sjögren syndrome. Last evaluated: 2022-05-16. Review status: criteria provided, single submitter. Criteria: Invitae Variant Classification Sherloc (09022015). Collection method: clinical testing. Allele origin: germline.
Comment: This sequence change replaces threonine, which is neutral and polar, with alanine, which is neutral and non-polar, at codon 56 of the SIL1 protein (p.Thr56Ala). In summary, the available evidence is currently insufficient to determine the role of this variant in disease. Therefore, it has been classified as a Variant of Uncertain Significance. Algorithms developed to predict the effect of missense changes on protein structure and function output the following: SIFT: "Tolerated"; PolyPhen-2: "Benign"; Align-GVGD: "Class C0". The alanine amino acid residue is found in multiple mammalian species, which suggests that this missense change does not adversely affect protein function. This variant has not been reported in the literature in individuals affected with SIL1-related conditions. This variant is present in population databases (no rsID available, gnomAD 0.003%).